The following is an entry in ClinVar:

NM_003900.5(SQSTM1):c.944C>T (p.Ala315Val)

Gene: SQSTM1 (sequestosome 1; plus strand). Cytogenetic location: 5q35.3.
Variant type: single nucleotide variant.
Coding change: c.944C>T on transcript NM_003900.5 (MANE Select); coding-DNA position 944, C replaced by T.
Protein change: p.Ala315Val; replaces alanine 315 with valine.
Molecular consequence: missense variant.
Genome position (GRCh38, 1-based): chr5:179,833,221, C>T. VCF-style: chr5-179833221-C-T. GRCh37 (hg19) VCF-style: chr5-179260221-C-T.
Other names: c.692C>T, p.Ala231Val (NM_001142298.2, NM_001142299.2); short protein forms A315V, A231V.
Identifiers: ClinVar variation 2924116 (VCV002924116.3), dbSNP rs887250799, ClinGen allele CA133109432.
Genomic context (GRCh38, chr5:179,833,221, plus strand): 5'-AGCCGGGTGGGAATGTTGAGGGCGCCACGCAGTCTCTGGCGGAGCAGATGAGGAAGATCG[C>T]CTTGGAGTCCGAGGGGCGCCCTGAGGCAAGCCTGTGCCCCTCCCGCCACCTGGGACCACG-3'
Protein context (NP_003891.1, residues 305-325): QSLAEQMRKI[Ala315Val]LESEGRPEEQ

ClinVar aggregate classification (germline): Uncertain significance (1 of 4 stars; one submission).

Conditions:
Paget disease of bone 2, early-onset (PDB2). Also called: Paget disease of bone 2. Identifiers: MedGen C4085251, MONDO:0011183, OMIM 602080.
Frontotemporal dementia and/or amyotrophic lateral sclerosis 1 (FTDALS1). Also called: Frontotemporal dementia with motor neuron disease 1; C9orf72 Frontotemporal Dementia and/or Amyotrophic Lateral Sclerosis. Identifiers: Orphanet 275872, MedGen C5779877, MONDO:0007105, OMIM 105550.

Allele frequency attached by ClinVar (database versions not stated): gnomAD 0.00001.
gnomAD v4.1: 3 of 1,601,378 alleles (0.00019%); highest among the groups gnomAD compares: African/African-American, 0.0027%; no homozygotes.

Submission:

Labcorp Genetics (formerly Invitae), Labcorp
Classification: Uncertain significance for Paget disease of bone 2, early-onset; Frontotemporal dementia and/or amyotrophic lateral sclerosis 1. Last evaluated: 2025-07-09. Review status: criteria provided, single submitter. Criteria: Invitae Variant Classification Sherloc (09022015). Collection method: clinical testing. Allele origin: germline.
Comment: This sequence change replaces alanine, which is neutral and non-polar, with valine, which is neutral and non-polar, at codon 315 of the SQSTM1 protein (p.Ala315Val). This variant is not present in population databases (gnomAD no frequency). This variant has not been reported in the literature in individuals affected with SQSTM1-related conditions. ClinVar contains an entry for this variant (Variation ID: 2924116). Invitae Evidence Modeling of protein sequence and biophysical properties (such as structural, functional, and spatial information, amino acid conservation, physicochemical variation, residue mobility, and thermodynamic stability) indicates that this missense variant is not expected to disrupt SQSTM1 protein function with a negative predictive value of 80%. In summary, the available evidence is currently insufficient to determine the role of this variant in disease. Therefore, it has been classified as a Variant of Uncertain Significance.